The following is an entry in ClinVar:

NM_153704.6(TMEM67):c.2086C>T (p.Leu696Phe)

Gene: TMEM67 (transmembrane protein 67; plus strand). Cytogenetic location: 8q22.1.
Variant type: single nucleotide variant.
Coding change: c.2086C>T on transcript NM_153704.6 (MANE Select); coding-DNA position 2086, C replaced by T.
Protein change: p.Leu696Phe; replaces leucine 696 with phenylalanine.
Molecular consequence: missense variant. On other transcripts: non-coding transcript variant (1).
Genome position (GRCh38, 1-based): chr8:93,797,456, C>T. VCF-style: chr8-93797456-C-T. GRCh37 (hg19) VCF-style: chr8-94809684-C-T.
Other names: c.1843C>T, p.Leu615Phe (NM_001142301.1); short protein forms L615F, L696F.
Identifiers: ClinVar variation 217729 (VCV000217729.23), dbSNP rs863225238, ClinGen allele CA279453.

ClinVar aggregate classification (germline): Conflicting classifications of pathogenicity. Review status: criteria provided, conflicting classifications (1 of 4 stars). 10 submissions from 8 submitters: Pathogenic (1); Likely pathogenic (6); Uncertain significance (3). Last evaluated 2025-11-17.

Conditions:
Meckel syndrome, type 3 (MKS3). Also called: MECKEL-GRUBER SYNDROME, TYPE 3. Identifiers: Orphanet 564, MedGen C1846357, MONDO:0011821, OMIM 607361.
COACH syndrome 1. Identifiers: Orphanet 1454, MedGen C5435651, MONDO:0800103, OMIM 216360, MONDO:0008996.
Nephronophthisis 11 (NPHP11). Identifiers: Orphanet 84081, MedGen C3150796, MONDO:0013302, OMIM 613550.
Joubert syndrome 6 (JBTS6). Identifiers: Orphanet 475, MedGen C1853153, MONDO:0012539, OMIM 610688.
Bardet-Biedl syndrome 14 (BBS14). Identifiers: Orphanet 110, MedGen C2673874, MONDO:0014442, OMIM 615991.
RHYNS syndrome. Also called: RETINITIS PIGMENTOSA SYNDROME; RETINITIS PIGMENTOSA, HYPOPITUITARISM, NEPHRONOPHTHISIS, AND MILD SKELETAL DYSPLASIA. Identifiers: Orphanet 140976, MedGen C1865794, MONDO:0011202, OMIM 602152.
TMEM67-related disorder. Also called: TMEM67-related condition; TMEM67-related disorders. Identifiers: MedGen CN239423.
Meckel-Gruber syndrome. Also called: DYSENCEPHALIA SPLANCHNOCYSTICA; Dysencephalia splachnocystica; GRUBER SYNDROME. Identifiers: Orphanet 564, MedGen C0265215, MONDO:0018921.
Joubert syndrome. Also called: Familial aplasia of the vermis; JOUBERT-BOLTSHAUSER SYNDROME. Identifiers: Orphanet 475, MedGen C5979921, MONDO:0018772.
Joubert syndrome and related disorders. Identifiers: Orphanet 140874, MedGen C5679612, MONDO:0015369.

Allele frequency attached by ClinVar (database versions not stated): gnomAD exomes below 0.00001; TOPMed below 0.00001.
gnomAD v4.1: 4 of 1,613,642 alleles (0.00025%); no homozygotes.

Submissions (10):

Labcorp Genetics (formerly Invitae), Labcorp
Classification: Pathogenic for Joubert syndrome; Meckel-Gruber syndrome. Last evaluated: 2025-11-17. Review status: criteria provided, single submitter. Criteria: Invitae Variant Classification Sherloc (09022015). Collection method: clinical testing. Allele origin: germline.
Comment: This sequence change replaces leucine, which is neutral and non-polar, with phenylalanine, which is neutral and non-polar, at codon 696 of the TMEM67 protein (p.Leu696Phe). This variant is present in population databases (no rsID available, gnomAD 0.006%). This missense change has been observed in individual(s) with Joubert syndrome (PMID: 26092869). ClinVar contains an entry for this variant (Variation ID: 217729). Invitae Evidence Modeling of protein sequence and biophysical properties (such as structural, functional, and spatial information, amino acid conservation, physicochemical variation, residue mobility, and thermodynamic stability) indicates that this missense variant is expected to disrupt TMEM67 protein function with a positive predictive value of 95%. This variant disrupts the p.Leu696 amino acid residue in TMEM67. Other variant(s) that disrupt this residue have been determined to be pathogenic (internal data). This suggests that this residue is clinically significant, and that variants that disrupt this residue are likely to be disease-causing. For these reasons, this variant has been classified as Pathogenic.

Women's Health and Genetics/Laboratory Corporation of America, LabCorp
Classification: Likely pathogenic for Joubert syndrome and related disorders. Last evaluated: 2025-07-03. Review status: criteria provided, single submitter. Criteria: LabCorp Variant Classification Summary - May 2015. Collection method: clinical testing. Allele origin: germline.
Comment: Variant summary: TMEM67 c.2086C>T (p.Leu696Phe) results in a non-conservative amino acid change in the encoded protein sequence. Algorithms developed to predict the effect of missense changes on protein structure and function all suggest that this variant is likely to be disruptive. The variant allele was found at a frequency of 4e-06 in 250834 control chromosomes. c.2086C>T has been observed in individual(s) affected with Joubert Syndrome And Related Disorders (Bachmann_Gagescu_2015, Solijon_2025) . Additionally, another missense variant has been observed in individuals affected with Joubert Syndrome (internal data). These data indicate that the variant may be associated with disease. To our knowledge, no experimental evidence demonstrating an impact on protein function has been reported. The following publications have been ascertained in the context of this evaluation (PMID: 26092869, 39849212). ClinVar contains an entry for this variant (Variation ID: 217729). Based on the evidence outlined above, the variant was classified as likely pathogenic.

3billion
Classification: Likely pathogenic for Joubert syndrome 6. Last evaluated: 2024-09-12. Review status: criteria provided, single submitter. Criteria: ACMG Guidelines, 2015. Collection method: clinical testing. Allele origin: germline. Affected: yes.
Comment: The variant is observed at an extremely low frequency in the gnomAD v4.0.0 dataset (total allele frequency: <0.001%). Predicted Consequence/Location: Missense variant In silico tool predictions suggest damaging effect of the variant on gene or gene product [REVEL: 0.83 (>=0.6, sensitivity 0.68 and specificity 0.92); 3Cnet: 0.99 (>=0.6, sensitivity 0.72 and precision 0.9)]. The same nucleotide change resulting in the same amino acid change has been previously reported to be associated with TMEM67 related disorder (ClinVar ID: VCV000217729).The variant has been reported to be in trans with a pathogenic variant as either compound heterozygous or homozygous in at least one similarly affected unrelated individual (3billion dataset). Different missense changes at the same codon (p.Leu696Pro, p.Leu696Val) have been reported as pathogenic/likely pathogenic with strong evidence (ClinVar ID: VCV001073371, VCV001474211). Therefore, this variant is classified as Likely pathogenic according to the recommendation of ACMG/AMP guideline.

Fulgent Genetics
Classification: Likely pathogenic for COACH syndrome 1; RHYNS syndrome; Meckel syndrome, type 3; Joubert syndrome 6; Nephronophthisis 11; Bardet-Biedl syndrome 14. Last evaluated: 2024-05-31. Review status: criteria provided, single submitter. Criteria: ACMG Guidelines, 2015. Collection method: clinical testing. Allele origin: germline.

Blueprint Genetics
Classification: Likely pathogenic for TMEM67-related disorders. Last evaluated: 2021-12-10. Review status: criteria provided, single submitter. Criteria: ACMG Guidelines, 2015. Collection method: clinical testing. Allele origin: germline. Affected: yes. Observed: 4 variant alleles.

Illumina Laboratory Services, Illumina
Classification: Uncertain significance for Meckel syndrome, type 3. Last evaluated: 2018-01-13. Review status: criteria provided, single submitter. Criteria: ICSL Variant Classification Criteria 13 December 2019. Collection method: clinical testing. Allele origin: germline.

Illumina Laboratory Services, Illumina
Classification: Uncertain significance for Joubert syndrome 6. Last evaluated: 2018-01-13. Review status: criteria provided, single submitter. Criteria: ICSL Variant Classification Criteria 13 December 2019. Collection method: clinical testing. Allele origin: germline.

Illumina Laboratory Services, Illumina
Classification: Uncertain significance for Nephronophthisis 11. Last evaluated: 2018-01-13. Review status: criteria provided, single submitter. Criteria: ICSL Variant Classification Criteria 13 December 2019. Collection method: clinical testing. Allele origin: germline.

UW Hindbrain Malformation Research Program, University of Washington
Classification: Likely pathogenic for Joubert syndrome 6. Last evaluated: 2015-02-23. Review status: criteria provided, single submitter. Criteria: Bachmann-Gagescu et al. (J Med Genet. 2015). Collection method: research. Allele origin: unknown. Affected: yes.

Kasturba Medical College, Manipal, Kasturba Medical College, Manipal, Manipal Academy of Higher Education, Manipal, India
Classification: Likely pathogenic for Joubert syndrome 6. Review status: criteria provided, single submitter. Criteria: ACMG Guidelines, 2015. Collection method: research. Allele origin: inherited. Affected: yes.

Literature cited by the submitters: PubMed 26092869 (cited by Labcorp Genetics (formerly Invitae), Labcorp and Women's Health and Genetics/Laboratory Corporation of America, LabCorp); PubMed 39849212 (cited by Women's Health and Genetics/Laboratory Corporation of America, LabCorp).